The following is an entry in ClinVar:

ClinVar aggregate classification (germline): Likely benign. Review status: criteria provided, single submitter (1 of 4 stars). 2 submissions from 2 submitters: Likely benign (1). 1 of the submissions does not count toward it. Last evaluated 2024-02-12.

Conditions:
POLG-related disorder. Also called: POLG-related condition; POLG-Related Disorders; POLG-Related Spectrum Disorders. Identifiers: MedGen C4763519.
Progressive sclerosing poliodystrophy (MTDPS4A). Also called: ALPERS PROGRESSIVE INFANTILE POLIODYSTROPHY; NEURONAL DEGENERATION OF CHILDHOOD WITH LIVER DISEASE, PROGRESSIVE; Mitochondrial DNA depletion syndrome 4A (Alpers type); Alpers Syndrome; ALPERS DIFFUSE DEGENERATION OF CEREBRAL GRAY MATTER WITH HEPATIC CIRRHOSIS; Alpers-Huttenlocher Syndrome. Identifiers: Orphanet 726, MedGen C0205710, MONDO:0008758, OMIM 203700.

Allele frequency attached by ClinVar (database versions not stated): ExAC 0.00001; gnomAD 0.00001.
gnomAD v4.1: 2 of 1,612,290 alleles (0.00012%); no homozygotes.

Submissions (2):

Labcorp Genetics (formerly Invitae), Labcorp
Classification: Likely benign for Progressive sclerosing poliodystrophy. Last evaluated: 2024-02-12. Review status: criteria provided, single submitter. Criteria: Invitae Variant Classification Sherloc (09022015). Collection method: clinical testing. Allele origin: germline.

PreventionGenetics, part of Exact Sciences
Classification: Likely benign for POLG-related condition. Last evaluated: 2023-11-01. Review status: no assertion criteria provided. Collection method: clinical testing. Allele origin: germline. Not counted in ClinVar's aggregate classification.
Comment: This variant is classified as likely benign based on ACMG/AMP sequence variant interpretation guidelines (Richards et al. 2015 PMID: 25741868, with internal and published modifications).

NM_002693.3(POLG):c.2981+7G>A

Gene: POLG (DNA polymerase gamma, catalytic subunit; minus strand). Cytogenetic location: 15q26.1.
Variant type: single nucleotide variant.
Coding change: c.2981+7G>A on transcript NM_002693.3 (MANE Select); 7 bases into the intron after coding-DNA position 2981, G replaced by A.
Molecular consequence: intron variant.
Genome position (GRCh38, 1-based): chr15:89,320,759, C>T on the plus strand (G>A on the coding strand, the complement: POLG is on the minus strand). VCF-style: chr15-89320759-C-T. GRCh37 (hg19) VCF-style: chr15-89863990-C-T.
Other names: c.2981+7G>A (NM_001126131.2, NM_002693.2).
Identifiers: ClinVar variation 2900247 (VCV002900247.5), dbSNP rs759407016, ClinGen allele CA7724311.